The following is an entry in ClinVar:

NM_015274.3(MAN2B2):c.2702-103A>G

Genes: MAN2B2 (mannosidase alpha class 2B member 2; plus strand), MRFAP1-AS1 (MRFAP1 antisense RNA 1; minus strand). Cytogenetic location: 4p16.1.
Variant type: single nucleotide variant.
Coding change: c.2702-103A>G on transcript NM_015274.3 (MANE Select); 103 bases into the intron before coding-DNA position 2702, A replaced by G.
Molecular consequence: intron variant.
Genome position (GRCh38, 1-based): chr4:6,617,277, A>G. VCF-style: chr4-6617277-A-G. GRCh37 (hg19) VCF-style: chr4-6619004-A-G.
Other names: c.2549-103A>G (NM_001292038.2).
Identifiers: ClinVar variation 2688039 (VCV002688039.2), dbSNP rs4234764, ClinGen allele CA11805965.
Genomic context (GRCh38, chr4:6,617,277, plus strand): 5'-AGCTACAATTCACGATGAGATTTGGTTGGGGACACAGCCAAACCATATCGAGGAGGTTAC[A>G]GATAGGAAATGGAGCTGAGTGTGTAAAGCAGCGGGTATAGACCAGGGACATTGGGGTTGG-3'

ClinVar aggregate classification (germline): Benign (1 of 4 stars; one submission).

Allele frequency attached by ClinVar (database versions not stated): 1000 Genomes Project 30x 0.80559; 1000 Genomes Project 0.81510; TOPMed 0.83835; gnomAD 0.85186; gnomAD exomes 0.96703.
gnomAD v4.1: 786,662 of 832,214 alleles (95%); highest among the groups gnomAD compares: East Asian, 100%; 378,246 homozygotes.

Submission:

Unidad de Genómica Garrahan, Hospital de Pediatría Garrahan
Classification: Benign. Last evaluated: 2024-01-24. Review status: criteria provided, single submitter. Criteria: ACMG Guidelines, 2015. Collection method: clinical testing. Allele origin: germline. Affected: no. Observed: 62 variant alleles.
Comment: This variant is classified as Benign based on local population frequency. This variant was detected in 65% of patients studied by a panel of primary immunodeficiencies. Number of patients: 62. Only high quality variants are reported.